The following is an entry in ClinVar:

NM_198506.5(LRIT3):c.1A>G (p.Met1Val)

Gene: LRIT3 (leucine rich repeat, Ig-like and transmembrane domains 3; plus strand). Cytogenetic location: 4q25.
Variant type: single nucleotide variant.
Coding change: c.1A>G on transcript NM_198506.5 (MANE Select); coding-DNA position 1, A replaced by G.
Protein change: p.Met1Val; changes the start codon (methionine 1).
Molecular consequence: missense variant, initiator codon variant.
Genome position (GRCh38, 1-based): chr4:109,848,202, A>G. VCF-style: chr4-109848202-A-G. GRCh37 (hg19) VCF-style: chr4-110769358-A-G.
Other names: short protein forms M1V.
Identifiers: ClinVar variation 1404668 (VCV001404668.6), dbSNP rs1269998430, ClinGen allele CA357869691.

ClinVar aggregate classification (germline): Uncertain significance (1 of 4 stars; one submission).

Allele frequency attached by ClinVar (database versions not stated): gnomAD 0.00001; TOPMed 0.00001; gnomAD exomes 0.00002 and 0.00016.

Submission:

Labcorp Genetics (formerly Invitae), Labcorp
Classification: Uncertain significance. Last evaluated: 2022-09-09. Review status: criteria provided, single submitter. Criteria: Invitae Variant Classification Sherloc (09022015). Collection method: clinical testing. Allele origin: germline.
Comment: Experimental studies and prediction algorithms are not available or were not evaluated, and the functional significance of this variant is currently unknown. This sequence change affects the initiator methionine of the LRIT3 mRNA. The next in-frame methionine is located at codon 46. This variant is present in population databases (no rsID available, gnomAD 0.01%). Disruption of the initiator codon has been observed in individual(s) with congenital stationary night blindness (PMID: 27428514). ClinVar contains an entry for this variant (Variation ID: 1404668). In summary, the available evidence is currently insufficient to determine the role of this variant in disease. Therefore, it has been classified as a Variant of Uncertain Significance.

Literature cited by the submitters: PubMed 27428514.